The following is an entry in ClinVar:

ClinVar aggregate classification (germline): Uncertain significance (1 of 4 stars; one submission).

gnomAD v4.1: 30 of 1,610,920 alleles (0.0019%); highest among the groups gnomAD compares: African/African-American, 0.0027%; no homozygotes.

Submission:

Labcorp Genetics (formerly Invitae), Labcorp
Classification: Uncertain significance. Last evaluated: 2024-10-02. Review status: criteria provided, single submitter. Criteria: Invitae Variant Classification Sherloc (09022015). Collection method: clinical testing. Allele origin: germline.
Comment: This sequence change replaces aspartic acid, which is acidic and polar, with valine, which is neutral and non-polar, at codon 208 of the AFG3L2 protein (p.Asp208Val). This variant is present in population databases (rs753001755, gnomAD 0.007%). This variant has not been reported in the literature in individuals affected with AFG3L2-related conditions. Invitae Evidence Modeling of protein sequence and biophysical properties (such as structural, functional, and spatial information, amino acid conservation, physicochemical variation, residue mobility, and thermodynamic stability) indicates that this missense variant is not expected to disrupt AFG3L2 protein function with a negative predictive value of 95%. In summary, the available evidence is currently insufficient to determine the role of this variant in disease. Therefore, it has been classified as a Variant of Uncertain Significance.

NM_006796.3(AFG3L2):c.623A>T (p.Asp208Val)

Gene: AFG3L2 (AFG3 like matrix AAA peptidase subunit 2; minus strand). Cytogenetic location: 18p11.21.
Variant type: single nucleotide variant.
Coding change: c.623A>T on transcript NM_006796.3 (MANE Select); coding-DNA position 623, A replaced by T.
Protein change: p.Asp208Val; replaces aspartic acid 208 with valine.
Molecular consequence: missense variant.
Genome position (GRCh38, 1-based): chr18:12,363,786, T>A on the plus strand (A>T on the coding strand, the complement: AFG3L2 is on the minus strand). VCF-style: chr18-12363786-T-A. GRCh37 (hg19) VCF-style: chr18-12363785-T-A.
Other names: short protein forms D208V.
Identifiers: ClinVar variation 3617361 (VCV003617361.2).
Genomic context (GRCh38, chr18:12,363,786, plus strand): 5'-TAAATCTGAAAAAGTTAATTTACAACTAATTCACATCAATTAATAAAATGATTTACCCCA[T>A]CAACAGGAGTTTTTCCTGGTGTAAAGGTCACTCGAACAAAACGCTTGTTGACGACTTCCA-3'
Protein context (NP_006787.2, residues 198-218): VTFTPGKTPV[Asp208Val]GQYVWFNIGS